The following is an entry in ClinVar:

ClinVar aggregate classification (germline): Conflicting classifications of pathogenicity. Review status: criteria provided, conflicting classifications (1 of 4 stars). 3 submissions from 3 submitters: Uncertain significance (2); Benign (1). Last evaluated 2026-09-21.

Conditions:
Hereditary cancer-predisposing syndrome. Also called: Tumor predisposition; Hereditary neoplastic syndrome; Hereditary Cancer Syndrome; Neoplastic Syndromes, Hereditary. Identifiers: Orphanet 140162, MedGen C0027672, MeSH D009386, MONDO:0015356.
BAP1-related tumor predisposition syndrome (TPDS1). Also called: COMMON Syndrome; Tumor susceptibility linked to germline BAP1 mutations; TUMOR PREDISPOSITION SYNDROME 1; BAP1 tumor predisposition syndrome. Identifiers: Orphanet 289539, MedGen C3280492, MONDO:0013692, OMIM 614327.
BAP1-related disorder. Also called: BAP1-related condition.

Allele frequency attached by ClinVar (database versions not stated): ExAC 0.00001; TOPMed 0.00001.
gnomAD v4.1: 3 of 1,613,648 alleles (0.00019%); highest among the groups gnomAD compares: Admixed American, 0.0033%; no homozygotes.

Submissions (3):

PreventionGenetics, part of Exact Sciences
Classification: Uncertain significance for BAP1-related condition. Last evaluated: 2026-09-21. Review status: criteria provided, single submitter. Criteria: ACMG Guidelines, 2015. Collection method: clinical testing. Allele origin: germline.
Comment: The BAP1 c.1511A>G variant is predicted to result in the amino acid substitution p.Asn504Ser. To our knowledge, this variant has not been reported in the literature. This variant is reported in 0.0087% of alleles in individuals of Latino descent in gnomAD. This variant has conflicting interpretations of uncertain and likely benign (Variation ID: 1774209). At this time, the clinical significance of this variant is uncertain due to the absence of conclusive functional and genetic evidence.

Labcorp Genetics (formerly Invitae), Labcorp
Classification: Uncertain significance for BAP1-related tumor predisposition syndrome. Last evaluated: 2025-07-02. Review status: criteria provided, single submitter. Criteria: Invitae Variant Classification Sherloc (09022015). Collection method: clinical testing. Allele origin: germline.
Comment: This sequence change replaces asparagine, which is neutral and polar, with serine, which is neutral and polar, at codon 504 of the BAP1 protein (p.Asn504Ser). This variant is present in population databases (rs776634869, gnomAD 0.009%). This variant has not been reported in the literature in individuals affected with BAP1-related conditions. ClinVar contains an entry for this variant (Variation ID: 1774209). Invitae Evidence Modeling of protein sequence and biophysical properties (such as structural, functional, and spatial information, amino acid conservation, physicochemical variation, residue mobility, and thermodynamic stability) indicates that this missense variant is not expected to disrupt BAP1 protein function with a negative predictive value of 80%. In summary, the available evidence is currently insufficient to determine the role of this variant in disease. Therefore, it has been classified as a Variant of Uncertain Significance.

Ambry Genetics
Classification: Benign for Hereditary cancer-predisposing syndrome. Last evaluated: 2024-06-01. Review status: criteria provided, single submitter. Criteria: Ambry Variant Classification Scheme 2023. Collection method: clinical testing. Allele origin: germline.

NM_004656.4(BAP1):c.1511A>G (p.Asn504Ser)

Gene: BAP1 (BRCA1 associated deubiquitinase 1; minus strand). Cytogenetic location: 3p21.1.
Variant type: single nucleotide variant.
Coding change: c.1511A>G on transcript NM_004656.4 (MANE Select); coding-DNA position 1511, A replaced by G.
Protein change: p.Asn504Ser; replaces asparagine 504 with serine.
Molecular consequence: missense variant.
Genome position (GRCh38, 1-based): chr3:52,403,634, T>C on the plus strand (A>G on the coding strand, the complement: BAP1 is on the minus strand). VCF-style: chr3-52403634-T-C. GRCh37 (hg19) VCF-style: chr3-52437650-T-C.
Other names: c.1457A>G, p.Asn486Ser (NM_001410772.1); c.1511A>G (NM_004656.3); short protein forms N486S, N504S.
Identifiers: ClinVar variation 1774209 (VCV001774209.9), dbSNP rs776634869, ClinGen allele CA2436790.